The following is an entry in ClinVar:

NM_014476.6(PDLIM3):c.628G>T (p.Val210Phe)

Gene: PDLIM3 (PDZ and LIM domain 3; minus strand). Cytogenetic location: 4q35.1.
Variant type: single nucleotide variant.
Coding change: c.628G>T on transcript NM_014476.6 (MANE Select); coding-DNA position 628, G replaced by T.
Protein change: p.Val210Phe; replaces valine 210 with phenylalanine.
Molecular consequence: missense variant. On other transcripts: intron variant (3).
Genome position (GRCh38, 1-based): chr4:185,508,333, C>A on the plus strand (G>T on the coding strand, the complement: PDLIM3 is on the minus strand). VCF-style: chr4-185508333-C-A. GRCh37 (hg19) VCF-style: chr4-186429487-C-A.
Other names: c.162-1681G>T (NM_001257963.2); c.399-1681G>T (NM_001257962.2); c.519-1681G>T (NM_001114107.5); short protein forms V210F.
Identifiers: ClinVar variation 1752659 (VCV001752659.2), dbSNP rs1190214935, ClinGen allele CA358923630.

ClinVar aggregate classification (germline): Uncertain significance (1 of 4 stars; one submission).

Allele frequency attached by ClinVar (database versions not stated): TOPMed below 0.00001; gnomAD 0.00001.
gnomAD v4.1: 1 of 1,614,016 alleles (0.000062%); highest among the groups gnomAD compares: Non-Finnish European, 0.000085%; no homozygotes.

Submission:

Ambry Genetics
Classification: Uncertain significance. Last evaluated: 2022-10-02. Review status: criteria provided, single submitter. Criteria: Ambry Variant Classification Scheme 2023. Collection method: clinical testing. Allele origin: germline.
Comment: The p.V210F variant (also known as c.628G>T), located in coding exon 5 of the PDLIM3 gene, results from a G to T substitution at nucleotide position 628. The valine at codon 210 is replaced by phenylalanine, an amino acid with highly similar properties. This amino acid position is conserved. In addition, the in silico prediction for this alteration is inconclusive. Since supporting evidence is limited at this time, the clinical significance of this alteration remains unclear.